The following is an entry in ClinVar:

ClinVar aggregate classification (germline): Uncertain significance. Review status: criteria provided, multiple submitters, no conflicts (2 of 4 stars). 2 submissions from 2 submitters: Uncertain significance (2). Last evaluated 2024-12-26.

Conditions:
Inborn genetic diseases. Identifiers: MedGen C0950123, MeSH D030342.
Fanconi anemia (FA). Also called: Fanconi's anemia. Identifiers: Orphanet 84, MedGen C0015625, MeSH D005199, MONDO:0019391.

Allele frequency attached by ClinVar (database versions not stated): gnomAD exomes below 0.00001; TOPMed below 0.00001; gnomAD 0.00001.
gnomAD v4.1: 6 of 1,411,920 alleles (0.00042%); highest among the groups gnomAD compares: East Asian, 0.0023%; no homozygotes.

Submissions (2):

Ambry Genetics
Classification: Uncertain significance for Inborn genetic diseases. Last evaluated: 2024-12-26. Review status: criteria provided, single submitter. Criteria: Ambry Variant Classification Scheme 2023. Collection method: clinical testing. Allele origin: germline.
Comment: The p.F443I variant (also known as c.1327T>A), located in coding exon 8 of the FANCM gene, results from a T to A substitution at nucleotide position 1327. The phenylalanine at codon 443 is replaced by isoleucine, an amino acid with highly similar properties. This amino acid position is conserved. In addition, this alteration is predicted to be tolerated by in silico analysis. Based on the available evidence, the clinical significance of this variant remains unclear.

Labcorp Genetics (formerly Invitae), Labcorp
Classification: Uncertain significance for Fanconi anemia. Last evaluated: 2023-02-14. Review status: criteria provided, single submitter. Criteria: Invitae Variant Classification Sherloc (09022015). Collection method: clinical testing. Allele origin: germline.
Comment: This sequence change replaces phenylalanine, which is neutral and non-polar, with isoleucine, which is neutral and non-polar, at codon 443 of the FANCM protein (p.Phe443Ile). This variant is present in population databases (no rsID available, gnomAD 0.002%). This variant has not been reported in the literature in individuals affected with FANCM-related conditions. Algorithms developed to predict the effect of missense changes on protein structure and function output the following: SIFT: "Tolerated"; PolyPhen-2: "Benign"; Align-GVGD: "Class C0". The isoleucine amino acid residue is found in multiple mammalian species, which suggests that this missense change does not adversely affect protein function. In summary, the available evidence is currently insufficient to determine the role of this variant in disease. Therefore, it has been classified as a Variant of Uncertain Significance.

NM_020937.4(FANCM):c.1327T>A (p.Phe443Ile)

Gene: FANCM (FA complementation group M; plus strand). Cytogenetic location: 14q21.2.
Variant type: single nucleotide variant.
Coding change: c.1327T>A on transcript NM_020937.4 (MANE Select); coding-DNA position 1327, T replaced by A.
Protein change: p.Phe443Ile; replaces phenylalanine 443 with isoleucine.
Molecular consequence: missense variant.
Genome position (GRCh38, 1-based): chr14:45,155,390, T>A. VCF-style: chr14-45155390-T-A. GRCh37 (hg19) VCF-style: chr14-45624593-T-A.
Other names: c.1249T>A, p.Phe417Ile (NM_001308133.2); c.1327T>A, p.Phe443Ile (NM_001308134.2); short protein forms F443I, F417I.
Identifiers: ClinVar variation 2726369 (VCV002726369.4), dbSNP rs1245664522, ClinGen allele CA389592146.